The following is an entry in ClinVar:

ClinVar aggregate classification (germline): Uncertain significance (1 of 4 stars; one submission).

Conditions:
Progressive myoclonic epilepsy type 5. Identifiers: Orphanet 402082, MedGen C5190799.

Allele frequency attached by ClinVar (database versions not stated): ExAC 0.00001; gnomAD 0.00001; gnomAD exomes 0.00001; TOPMed 0.00001.
gnomAD v4.1: 10 of 1,614,030 alleles (0.00062%); highest among the groups gnomAD compares: Admixed American, 0.0033%; no homozygotes.

Submission:

Labcorp Genetics (formerly Invitae), Labcorp
Classification: Uncertain significance for Progressive myoclonic epilepsy type 5. Last evaluated: 2022-01-11. Review status: criteria provided, single submitter. Criteria: Invitae Variant Classification Sherloc (09022015). Collection method: clinical testing. Allele origin: germline.
Comment: In summary, the available evidence is currently insufficient to determine the role of this variant in disease. Therefore, it has been classified as a Variant of Uncertain Significance. Algorithms developed to predict the effect of missense changes on protein structure and function are either unavailable or do not agree on the potential impact of this missense change (SIFT: "Deleterious"; PolyPhen-2: "Possibly Damaging"; Align-GVGD: "Class C0"). This variant has not been reported in the literature in individuals affected with PRICKLE2-related conditions. This variant is present in population databases (rs758069667, gnomAD 0.006%). This sequence change replaces proline, which is neutral and non-polar, with leucine, which is neutral and non-polar, at codon 6 of the PRICKLE2 protein (p.Pro6Leu).

NM_198859.4(PRICKLE2):c.17C>T (p.Pro6Leu)

Genes: PRICKLE2 (prickle planar cell polarity protein 2; minus strand), PRICKLE2-AS3 (PRICKLE2 antisense RNA 3; plus strand). Cytogenetic location: 3p14.1.
Variant type: single nucleotide variant.
Coding change: c.17C>T on transcript NM_198859.4 (MANE Select); coding-DNA position 17, C replaced by T.
Protein change: p.Pro6Leu; replaces proline 6 with leucine.
Molecular consequence: missense variant. On other transcripts: non-coding transcript variant (1).
Genome position (GRCh38, 1-based): chr3:64,198,911, G>A on the plus strand (C>T on the coding strand, the complement: PRICKLE2 is on the minus strand). VCF-style: chr3-64198911-G-A. GRCh37 (hg19) VCF-style: chr3-64184587-G-A.
Other names: c.17C>T, p.Pro6Leu (NM_001370528.1); short protein forms P6L.
Identifiers: ClinVar variation 1942617 (VCV001942617.5), dbSNP rs758069667, ClinGen allele CA2479937.